The following is an entry in ClinVar:

NM_000093.5(COL5A1):c.4753C>T (p.Arg1585Trp)

Genes: COL5A1 (collagen type V alpha 1 chain; plus strand), LOC101448202 (uncharacterized LOC101448202; minus strand). Cytogenetic location: 9q34.3.
Variant type: single nucleotide variant.
Coding change: c.4753C>T on transcript NM_000093.5 (MANE Select); coding-DNA position 4753, C replaced by T.
Protein change: p.Arg1585Trp; replaces arginine 1585 with tryptophan.
Molecular consequence: missense variant.
Genome position (GRCh38, 1-based): chr9:134,824,654, C>T. VCF-style: chr9-134824654-C-T. GRCh37 (hg19) VCF-style: chr9-137716500-C-T.
Other names: p.R1585W:CGG>TGG; c.4753C>T, p.Arg1585Trp (NM_001278074.1); short protein forms R1585W.
Identifiers: ClinVar variation 212988 (VCV000212988.29), dbSNP rs546865410, ClinGen allele CA321274.

ClinVar aggregate classification (germline): Conflicting classifications of pathogenicity. Review status: criteria provided, conflicting classifications (1 of 4 stars). 6 submissions from 6 submitters: Uncertain significance (4); Benign (1); Likely benign (1). Last evaluated 2026-02-02.

Conditions:
Ehlers-Danlos syndrome, classic type, 1 (EDSCL1). Also called: Ehlers-Danlos Syndrome, Classic Type, COL5A1-Related; EHLERS-DANLOS SYNDROME, GRAVIS TYPE; EHLERS-DANLOS SYNDROME, SEVERE CLASSIC TYPE; Ehlers-Danlos syndrome, type 1; EDS I. Identifiers: MedGen C0268335, MONDO:0019567, OMIM 130000.
Familial thoracic aortic aneurysm and aortic dissection (TAAD). Also called: Thoracic aortic aneurysms and dissections. Identifiers: Orphanet 91387, MedGen C4707243, MONDO:0019625.

Allele frequency attached by ClinVar (database versions not stated): TOPMed 0.00002; gnomAD 0.00003 and 0.00002; ExAC 0.00006; 1000 Genomes Project 30x 0.00016; gnomAD exomes 0.00004 and 0.00005; 1000 Genomes Project 0.00020.
gnomAD v4.1: 74 of 1,614,180 alleles (0.0046%); highest among the groups gnomAD compares: South Asian, 0.019%; no homozygotes.

Submissions (6):

Women's Health and Genetics/Laboratory Corporation of America, LabCorp
Classification: Likely benign. Last evaluated: 2026-02-02. Review status: criteria provided, single submitter. Criteria: LabCorp Variant Classification Summary - May 2015. Collection method: clinical testing. Allele origin: germline.
Comment: Variant summary: COL5A1 c.4753C>T (p.Arg1585Trp) results in a non-conservative amino acid change in the encoded protein sequence. Algorithms developed to predict the effect of missense changes on protein structure and function all suggest that this variant is likely to be disruptive. The variant allele was found at a frequency of 4e-05 in 250668 control chromosomes. The observed variant frequency exceeds the estimated maximal expected allele frequency for disease-causing variants in COL5A1. To our knowledge, no occurrence of c.4753C>T in individuals affected with COL5A1-related conditions and no experimental evidence demonstrating its impact on protein function have been reported. ClinVar contains an entry for this variant (Variation ID: 212988). Based on the evidence outlined above, the variant was classified as likely benign.

Labcorp Genetics (formerly Invitae), Labcorp
Classification: Benign for Ehlers-Danlos syndrome, classic type, 1. Last evaluated: 2025-10-06. Review status: criteria provided, single submitter. Criteria: Invitae Variant Classification Sherloc (09022015). Collection method: clinical testing. Allele origin: germline.

ARUP Laboratories, Molecular Genetics and Genomics, ARUP Laboratories
Classification: Uncertain significance. Last evaluated: 2025-05-01. Review status: criteria provided, single submitter. Criteria: ARUP Molecular Germline Variant Investigation Process 2024. Collection method: clinical testing. Allele origin: germline.
Comment: The COL5A1 c.4753C>T; p.Arg1585Trp variant (rs546865410), to our knowledge, is not reported in the medical literature but is reported in ClinVar (Variation ID: 212988). This variant is found in the general population with an overall allele frequency of 0.004% (11/282004 alleles) in the Genome Aggregation Database (v2.1.1). Computational analyses are uncertain whether this variant is neutral or deleterious (REVEL: 0.574). Due to limited information, the clinical significance of this variant is uncertain at this time.

Ambry Genetics
Classification: Uncertain significance for Familial thoracic aortic aneurysm and aortic dissection. Last evaluated: 2024-07-12. Review status: criteria provided, single submitter. Criteria: Ambry Variant Classification Scheme 2023. Collection method: clinical testing. Allele origin: germline.
Comment: The p.R1585W variant (also known as c.4753C>T), located in coding exon 62 of the COL5A1 gene, results from a C to T substitution at nucleotide position 4753. The arginine at codon 1585 is replaced by tryptophan, an amino acid with dissimilar properties. This amino acid position is highly conserved in available vertebrate species. In addition, the in silico prediction for this alteration is inconclusive. Based on the available evidence, the clinical significance of this variant remains unclear.

GeneDx
Classification: Uncertain significance. Last evaluated: 2024-01-23. Review status: criteria provided, single submitter. Criteria: GeneDx Variant Classification Process June 2021. Collection method: clinical testing. Allele origin: germline. Affected: yes.
Comment: In silico analysis supports that this missense variant has a deleterious effect on protein structure/function; Has not been previously published as pathogenic or benign to our knowledge; Not located in the triple helical region, where the majority of pathogenic missense variants occur (PMID: 22696272; HGMD); This variant is associated with the following publications: (PMID: 22696272)

Mayo Clinic Laboratories, Mayo Clinic
Classification: Uncertain significance. Last evaluated: 2020-03-04. Review status: criteria provided, single submitter. Criteria: ACMG Guidelines, 2015. Collection method: clinical testing. Allele origin: germline. Observed: 1 variant allele.